The following is an entry in ClinVar:

NM_018297.4(NGLY1):c.154A>C (p.Arg52=)

Gene: NGLY1 (N-glycanase 1; minus strand). Cytogenetic location: 3p24.2.
Variant type: single nucleotide variant.
Coding change: c.154A>C on transcript NM_018297.4 (MANE Select); coding-DNA position 154, A replaced by C.
Protein change: p.Arg52=; no amino-acid change (arginine 52 retained).
Molecular consequence: synonymous variant.
Genome position (GRCh38, 1-based): chr3:25,778,666, T>G on the plus strand (A>C on the coding strand, the complement: NGLY1 is on the minus strand). VCF-style: chr3-25778666-T-G. GRCh37 (hg19) VCF-style: chr3-25820157-T-G.
Other names: c.154A>C, p.Arg52= (NM_001145293.2, NM_001145295.2); c.28A>C, p.Arg10= (NM_001145294.2); c.154A>C (NM_018297.3).
Identifiers: ClinVar variation 1119008 (VCV001119008.9), dbSNP rs767764236, ClinGen allele CA2289559.
Genomic context (GRCh38, chr3:25,778,666, plus strand): 5'-CAGCTCCTCTGACAGGCAAGAGTCTAGTAGAAAAGGCTGTGTTTCCAATCCGGATGGATC[T>G]ATATTTTTCATCATTAGGGTTTCTGACAAAAAACAAAAGTTTGATTATATATAAAAAAAA-3'
Protein context (NP_060767.2, residues 42-62): ILRNPNDEKY[Arg52=]SIRIGNTAFS

ClinVar aggregate classification (germline): Likely benign. Review status: criteria provided, single submitter (1 of 4 stars). 2 submissions from 2 submitters: Likely benign (1). 1 of the submissions does not count toward it. Last evaluated 2025-12-09.

Conditions:
NGLY1-related disorder. Also called: NGLY1-related condition.
Congenital disorder of deglycosylation (CDDG). Identifiers: MedGen C3808991, MONDO:0031376.

Allele frequency attached by ClinVar (database versions not stated): gnomAD exomes 0.00001 and 0.00005; gnomAD 0.00001; TOPMed 0.00002; ExAC 0.00005.
gnomAD v4.1: 12 of 1,607,650 alleles (0.00075%); highest among the groups gnomAD compares: Admixed American, 0.02%; no homozygotes.

Submissions (2):

Labcorp Genetics (formerly Invitae), Labcorp
Classification: Likely benign for Congenital disorder of deglycosylation. Last evaluated: 2025-12-09. Review status: criteria provided, single submitter. Criteria: Invitae Variant Classification Sherloc (09022015). Collection method: clinical testing. Allele origin: germline.

PreventionGenetics, part of Exact Sciences
Classification: Likely benign for NGLY1-related condition. Last evaluated: 2019-10-31. Review status: no assertion criteria provided. Collection method: clinical testing. Allele origin: germline. Not counted in ClinVar's aggregate classification.
Comment: This variant is classified as likely benign based on ACMG/AMP sequence variant interpretation guidelines (Richards et al. 2015 PMID: 25741868, with internal and published modifications).